The following is an entry in ClinVar:

NM_000807.4(GABRA2):c.46G>C (p.Val16Leu)

Gene: GABRA2 (gamma-aminobutyric acid type A receptor subunit alpha2; minus strand). Cytogenetic location: 4p12.
Variant type: single nucleotide variant.
Coding change: c.46G>C on transcript NM_000807.4 (MANE Select); coding-DNA position 46, G replaced by C.
Protein change: p.Val16Leu; replaces valine 16 with leucine.
Molecular consequence: missense variant. On other transcripts: 5 prime UTR variant (4).
Genome position (GRCh38, 1-based): chr4:46,388,661, C>G on the plus strand (G>C on the coding strand, the complement: GABRA2 is on the minus strand). VCF-style: chr4-46388661-C-G. GRCh37 (hg19) VCF-style: chr4-46390678-C-G.
Other names: c.46G>C, p.Val16Leu (NM_001114175.3, NM_001330690.2, NM_001377144.1 and 8 more transcripts); c.-52G>C (NM_001286827.3, NM_001377152.1, NM_001377153.1 and 1 more transcripts); short protein forms V16L.
Identifiers: ClinVar variation 3343779 (VCV003343779.1).

ClinVar aggregate classification (germline): Uncertain significance (1 of 4 stars; one submission).

Submission:

GeneDx
Classification: Uncertain significance. Last evaluated: 2023-05-22. Review status: criteria provided, single submitter. Criteria: GeneDx Variant Classification Process June 2021. Collection method: clinical testing. Allele origin: germline. Affected: yes.
Comment: Not observed at significant frequency in large population cohorts (gnomAD); In silico analysis supports that this missense variant does not alter protein structure/function; Has not been previously published as pathogenic or benign to our knowledge